The following is an entry in ClinVar:

ClinVar aggregate classification (germline): Uncertain significance (1 of 4 stars; one submission).

Allele frequency attached by ClinVar (database versions not stated): gnomAD exomes below 0.00001.
gnomAD v4.1: 1 of 1,597,946 alleles (0.000063%); highest among the groups gnomAD compares: Non-Finnish European, 0.000085%; no homozygotes.

Submission:

Labcorp Genetics (formerly Invitae), Labcorp
Classification: Uncertain significance. Last evaluated: 2025-01-13. Review status: criteria provided, single submitter. Criteria: Invitae Variant Classification Sherloc (09022015). Collection method: clinical testing. Allele origin: germline.
Comment: This sequence change replaces proline, which is neutral and non-polar, with threonine, which is neutral and polar, at codon 1040 of the KIAA1549 protein (p.Pro1040Thr). This variant is not present in population databases (gnomAD no frequency). This variant has not been reported in the literature in individuals affected with KIAA1549-related conditions. ClinVar contains an entry for this variant (Variation ID: 1506001). An algorithm developed to predict the effect of missense changes on protein structure and function (PolyPhen-2) suggests that this variant is likely to be disruptive. In summary, the available evidence is currently insufficient to determine the role of this variant in disease. Therefore, it has been classified as a Variant of Uncertain Significance.

NM_001164665.2(KIAA1549):c.3118C>A (p.Pro1040Thr)

Gene: KIAA1549 (KIAA1549; minus strand). Cytogenetic location: 7q34.
Variant type: single nucleotide variant.
Coding change: c.3118C>A on transcript NM_001164665.2 (MANE Select); coding-DNA position 3118, C replaced by A.
Protein change: p.Pro1040Thr; replaces proline 1040 with threonine.
Molecular consequence: missense variant.
Genome position (GRCh38, 1-based): chr7:138,911,173, G>T on the plus strand (C>A on the coding strand, the complement: KIAA1549 is on the minus strand). VCF-style: chr7-138911173-G-T. GRCh37 (hg19) VCF-style: chr7-138595919-G-T.
Other names: c.3118C>A, p.Pro1040Thr (NM_020910.3); short protein forms P1040T.
Identifiers: ClinVar variation 1506001 (VCV001506001.8), dbSNP rs2130465900, ClinGen allele CA369388585.